The following is an entry in ClinVar:

ClinVar aggregate classification (germline): Benign/Likely benign. Review status: criteria provided, multiple submitters, no conflicts (2 of 4 stars). 11 submissions from 10 submitters: Benign (9); Likely benign (1). 1 of the submissions does not count toward it. Last evaluated 2026-02-02.

Conditions:
Connective tissue disorder. Also called: Connective tissue disease. Identifiers: MedGen C0009782, MONDO:0003900.
Jeune thoracic dystrophy. Also called: Short-rib thoracic dysplasia; Jeune syndrome; Infantile thoracic dystrophy; Thoracic pelvic phalangeal dystrophy; Jeune's syndrome; Chondroectodermal dysplasia-like syndrome. Identifiers: Orphanet 474, MedGen C0265275, MONDO:0018770.
Nephronophthisis. Also called: Juvenile Nephronophthisis. Identifiers: Orphanet 655, MedGen C0687120, MONDO:0019005, HP:0000090.
Asphyxiating thoracic dystrophy 4 (SRTD4). Also called: SHORT-RIB THORACIC DYSPLASIA 4 WITH OR WITHOUT POLYDACTYLY; SHORT-RIB THORACIC DYSPLASIA 4. Identifiers: Orphanet 474, MedGen C3151185, MONDO:0013441, OMIM 613819.
Nephronophthisis 12 (NPHP12). Identifiers: Orphanet 655, MedGen C3151186, MONDO:0013442, OMIM 613820.

Allele frequency attached by ClinVar (database versions not stated): gnomAD exomes 0.00145 and 0.00397; ExAC 0.00545; gnomAD 0.01493 and 0.01606; ESP Exome Variant Server 0.01938; 1000 Genomes Project 0.01917; TOPMed 0.01777; 1000 Genomes Project 30x 0.01905.
gnomAD v4.1: 4,488 of 1,613,710 alleles (0.28%); highest among the groups gnomAD compares: African/African-American, 5.3%; 119 homozygotes.

Submissions (11):

Labcorp Genetics (formerly Invitae), Labcorp
Classification: Benign for Jeune thoracic dystrophy; Nephronophthisis. Last evaluated: 2026-02-02. Review status: criteria provided, single submitter. Criteria: Invitae Variant Classification Sherloc (09022015). Collection method: clinical testing. Allele origin: germline.

ARUP Laboratories, Molecular Genetics and Genomics, ARUP Laboratories
Classification: Benign. Last evaluated: 2025-05-08. Review status: criteria provided, single submitter. Criteria: ARUP Molecular Germline Variant Investigation Process 2024. Collection method: clinical testing. Allele origin: germline.

Mayo Clinic Laboratories, Mayo Clinic
Classification: Benign. Last evaluated: 2023-03-26. Review status: criteria provided, single submitter. Criteria: ACMG Guidelines, 2015. Collection method: clinical testing. Allele origin: germline. Observed: 8 variant alleles.

Fulgent Genetics
Classification: Likely benign for Asphyxiating thoracic dystrophy 4; Nephronophthisis 12. Last evaluated: 2021-10-28. Review status: criteria provided, single submitter. Criteria: ACMG Guidelines, 2015. Collection method: clinical testing. Allele origin: unknown.

Genome Diagnostics Laboratory, The Hospital for Sick Children
Classification: Benign for Connective tissue disorder. Last evaluated: 2019-08-01. Review status: criteria provided, single submitter. Criteria: ACMG Guidelines, 2015. Collection method: clinical testing. Allele origin: germline.

Illumina Laboratory Services, Illumina
Classification: Benign for Asphyxiating thoracic dystrophy 4. Last evaluated: 2018-01-12. Review status: criteria provided, single submitter. Criteria: ICSL Variant Classification Criteria 13 December 2019. Collection method: clinical testing. Allele origin: germline.
Comment: This variant was observed in the ICSL laboratory as part of a predisposition screen in an ostensibly healthy population. It had not been previously curated by ICSL or reported in the Human Gene Mutation Database (HGMD: prior to June 1st, 2018), and was therefore a candidate for classification through an automated scoring system. Utilizing variant allele frequency, disease prevalence and penetrance estimates, and inheritance mode, an automated score was calculated to assess if this variant is too frequent to cause the disease. Based on the score and internal cut-off values, a variant classified as benign is not then subjected to further curation. The score for this variant resulted in a classification of benign for this disease.

Illumina Laboratory Services, Illumina
Classification: Benign for Nephronophthisis 12. Last evaluated: 2018-01-12. Review status: criteria provided, single submitter. Criteria: ICSL Variant Classification Criteria 13 December 2019. Collection method: clinical testing. Allele origin: germline.
Comment: the same text as in the submission from Illumina Laboratory Services, Illumina above.

GeneDx
Classification: Benign. Last evaluated: 2016-11-04. Review status: criteria provided, single submitter. Criteria: GeneDx Variant Classification (06012015). Collection method: clinical testing. Allele origin: germline. Affected: yes.
Comment: This variant is considered likely benign or benign based on one or more of the following criteria: it is a conservative change, it occurs at a poorly conserved position in the protein, it is predicted to be benign by multiple in silico algorithms, and/or has population frequency not consistent with disease.

Breakthrough Genomics
Classification: Benign. Review status: criteria provided, single submitter. Criteria: ACMG Guidelines, 2015. Collection method: not provided. Allele origin: germline. Inheritance: Autosomal recessive inheritance. Affected: yes.

PreventionGenetics, part of Exact Sciences
Classification: Benign. Review status: criteria provided, single submitter. Criteria: ACMG Guidelines, 2015. Collection method: clinical testing. Allele origin: germline.

Genetic Services Laboratory, University of Chicago
Classification: Likely benign for AllHighlyPenetrant. Review status: no assertion criteria provided. Collection method: clinical testing. Allele origin: germline. Inheritance: Autosomal recessive inheritance. Not counted in ClinVar's aggregate classification.
Comment: Likely benign based on allele frequency in 1000 Genomes Project or ESP global frequency and its presence in a patient with a rare or unrelated disease phenotype. NOT Sanger confirmed.

NM_024753.5(TTC21B):c.2334C>T (p.Tyr778=)

Gene: TTC21B (tetratricopeptide repeat domain 21B; minus strand). Cytogenetic location: 2q24.3.
Variant type: single nucleotide variant.
Coding change: c.2334C>T on transcript NM_024753.5 (MANE Select); coding-DNA position 2334, C replaced by T.
Protein change: p.Tyr778=; no amino-acid change (tyrosine 778 retained).
Molecular consequence: synonymous variant.
Genome position (GRCh38, 1-based): chr2:165,911,454, G>A on the plus strand (C>T on the coding strand, the complement: TTC21B is on the minus strand). VCF-style: chr2-165911454-G-A. GRCh37 (hg19) VCF-style: chr2-166767964-G-A.
Other names: p.Tyr778=.
Identifiers: ClinVar variation 130653 (VCV000130653.37), dbSNP rs79656636, ClinGen allele CA155848.
Genomic context (GRCh38, chr2:165,911,454, plus strand): 5'-GAGCTCAGCCAGGTCATAGCAAAGATAATTCTTTTGTCCAGTTTTCAGAGCAGCTTCATA[G>A]TAAGTGATTGCCTAAACAAAATTCATTCCATTTAAGGGAACAAGGCAATGAGAATGGCAT-3'
Protein context (NP_079029.3, residues 768-788): KTHNYSMAIT[Tyr778=]YEAALKTGQK